The following is an entry in ClinVar:

ClinVar aggregate classification (germline): Conflicting classifications of pathogenicity. Review status: criteria provided, conflicting classifications (1 of 4 stars). 7 submissions from 7 submitters: Uncertain significance (6); Likely benign (1). Last evaluated 2025-05-15.

Conditions:
BRCA2-related cancer predisposition. Identifiers: MedGen CN377758, MONDO:0700269.
Hereditary cancer-predisposing syndrome. Also called: Neoplastic Syndromes, Hereditary; Tumor predisposition; Hereditary Cancer Syndrome; Hereditary neoplastic syndrome. Identifiers: Orphanet 140162, MedGen C0027672, MeSH D009386, MONDO:0015356.
Hereditary breast ovarian cancer syndrome. Also called: Breast and ovarian cancer; Hereditary breast and ovarian cancer; Hereditary breast and/or ovarian cancer syndrome; BRCA1- and BRCA2-Associated Hereditary Breast and Ovarian Cancer; Hereditary breast and ovarian cancer syndrome; Hereditary breast and ovarian cancer syndrome (HBOC). Identifiers: Orphanet 145, MedGen C0677776, MeSH D061325, MONDO:0003582. Disease mechanism: loss of function.
Familial cancer of breast. Also called: BREAST CANCER, FAMILIAL; Hereditary breast cancer; hereditary breast carcinoma. Identifiers: Orphanet 227535, MedGen C0346153, MONDO:0016419, OMIM 114480. Disease mechanism: loss of function.

Allele frequency attached by ClinVar (database versions not stated): gnomAD 0.00001.
gnomAD v4.1: 4 of 1,613,660 alleles (0.00025%); highest among the groups gnomAD compares: Non-Finnish European, 0.00025%; no homozygotes.

Submissions (7):

Ambry Genetics
Classification: Likely benign for Hereditary cancer-predisposing syndrome. Last evaluated: 2025-05-15. Review status: criteria provided, single submitter. Criteria: Ambry Variant Classification Scheme 2023. Collection method: clinical testing. Allele origin: germline.

Department of Pathology and Laboratory Medicine, Sinai Health System
Classification: Uncertain significance for BRCA2-related cancer predisposition. Last evaluated: 2024-12-09. Review status: criteria provided, single submitter. Criteria: ACMG Guidelines, 2015. Collection method: clinical testing. Allele origin: germline.

All of Us Research Program, National Institutes of Health
Classification: Uncertain significance for BRCA2-related cancer predisposition. Last evaluated: 2024-09-23. Review status: criteria provided, single submitter. Criteria: ACMG Guidelines, 2015. Collection method: clinical testing. Allele origin: germline. Inheritance: Autosomal dominant inheritance. Observed: 3 variant alleles, 3 heterozygotes.
Comment: This missense variant replaces alanine with serine at codon 2928 of the BRCA2 protein. Computational prediction suggests that this variant may not impact protein structure and function (internally defined REVEL score threshold <= 0.5, PMID: 27666373). Splice site prediction tools suggest that this variant may not impact RNA splicing. To our knowledge, functional studies have not been performed for this variant. This variant has not been reported in individuals affected with hereditary cancer in the literature. This variant has been identified in 1/31394 chromosomes in the general population by the Genome Aggregation Database (gnomAD). The available evidence is insufficient to determine the role of this variant in disease conclusively. Therefore, this variant is classified as a Variant of Uncertain Significance.

This study involves interpretation of variants in research participants for the purpose of population health screening. Participant phenotype was not available at the time of variant classification. Additional details can be found in publication PMID: 35346344, PMCID: PMC8962531

Color Diagnostics, LLC DBA Color Health
Classification: Uncertain significance for Hereditary cancer-predisposing syndrome. Last evaluated: 2024-05-02. Review status: criteria provided, single submitter. Criteria: ACMG Guidelines, 2015. Collection method: clinical testing. Allele origin: germline.
Comment: This missense variant replaces alanine with serine at codon 2928 of the BRCA2 protein. Computational prediction suggests that this variant may not impact protein structure and function. To our knowledge, functional studies have not been reported for this variant. This variant has been reported in a multifactorial analysis with co-occurrence and family history likelihood ratios for pathogenicity of 1.102 and 1.318, respectively (PMID: 31131967). This variant has been identified in 1/31394 chromosomes in the general population by the Genome Aggregation Database (gnomAD). The available evidence is insufficient to determine the role of this variant in disease conclusively. Therefore, this variant is classified as a Variant of Uncertain Significance.

Labcorp Genetics (formerly Invitae), Labcorp
Classification: Uncertain significance for Hereditary breast ovarian cancer syndrome. Last evaluated: 2024-04-09. Review status: criteria provided, single submitter. Criteria: Invitae Variant Classification Sherloc (09022015). Collection method: clinical testing. Allele origin: germline.
Comment: This sequence change replaces alanine, which is neutral and non-polar, with serine, which is neutral and polar, at codon 2928 of the BRCA2 protein (p.Ala2928Ser). This variant is present in population databases (rs587781762, gnomAD 0.007%). This variant has not been reported in the literature in individuals affected with BRCA2-related conditions. ClinVar contains an entry for this variant (Variation ID: 141459). Advanced modeling of protein sequence and biophysical properties (such as structural, functional, and spatial information, amino acid conservation, physicochemical variation, residue mobility, and thermodynamic stability) performed at Invitae indicates that this missense variant is not expected to disrupt BRCA2 protein function with a negative predictive value of 95%. In summary, the available evidence is currently insufficient to determine the role of this variant in disease. Therefore, it has been classified as a Variant of Uncertain Significance.

Baylor Genetics
Classification: Uncertain significance for Familial cancer of breast. Last evaluated: 2023-12-30. Review status: criteria provided, single submitter. Criteria: ACMG Guidelines, 2015. Collection method: clinical testing. Allele origin: unknown.

GeneDx
Classification: Uncertain significance. Last evaluated: 2016-10-11. Review status: criteria provided, single submitter. Criteria: GeneDx Variant Classification (06012015). Collection method: clinical testing. Allele origin: germline. Affected: yes.
Comment: This variant is denoted BRCA2 c.8782G>T at the cDNA level, p.Ala2928Ser (A2928S) at the protein level, and results in the change of an Alanine to a Serine (GCC>TCC). This variant, also known as BRCA2 9010G>T using alternate nomenclature, has not, to our knowledge, been published in the literature as pathogenic or benign. BRCA2 Ala2928Ser was not observed in approximately 6,500 individuals of European and African American ancestry in the NHLBI Exome Sequencing Project, suggesting it is not a common benign variant in these populations. Since Alanine and Serine differ in polarity, charge, size or other properties, this is considered a non-conservative amino acid substitution. BRCA2 Ala2928Ser occurs at a position that is conserved among mammals and is located in the DNA binding domain (Yang 2002). In silico analyses are inconsistent regarding the effect this variant may have on protein structure and function. Based on currently available information, it is unclear whether BRCA2 Ala2928Ser is pathogenic or benign. We consider it to be a variant of uncertain significance.

Literature cited by the submitters: PubMed 31131967 (cited by Department of Pathology and Laboratory Medicine, Sinai Health System and Color Diagnostics, LLC DBA Color Health).

NM_000059.4(BRCA2):c.8782G>T (p.Ala2928Ser)

Gene: BRCA2 (BRCA2 DNA repair associated; plus strand). Cytogenetic location: 13q13.1.
Variant type: single nucleotide variant.
Coding change: c.8782G>T on transcript NM_000059.4 (MANE Select); coding-DNA position 8782, G replaced by T.
Protein change: p.Ala2928Ser; replaces alanine 2928 with serine.
Molecular consequence: missense variant.
Genome position (GRCh38, 1-based): chr13:32,379,344, G>T. VCF-style: chr13-32379344-G-T. GRCh37 (hg19) VCF-style: chr13-32953481-G-T.
Other names: short protein forms A2928S.
Identifiers: ClinVar variation 141459 (VCV000141459.24), dbSNP rs587781762, ClinGen allele CA025825.